The following is an entry in ClinVar:

NM_005321.3(H1-4):c.502_518del (p.Lys168fs)

Gene: H1-4 (H1.4 linker histone, cluster member; plus strand). Cytogenetic location: 6p22.2.
Variant type: Deletion.
Coding change: c.502_518del on transcript NM_005321.3 (MANE Select); coding-DNA positions 502 to 518, 17 bases deleted (AAAAAAGCGAAAAGCCC).
Protein change: p.Lys168fs; shifts the reading frame from lysine 168.
Molecular consequence: frameshift variant.
Genome position (GRCh38, 1-based): chr6:26,156,892-26,156,908, AAAAAAGCGAAAAGCCC deleted; deleting any 17 consecutive bases within chr6:26,156,890-26,156,908 gives the same sequence; the c. name uses the placement nearest the transcript's 3' end. VCF-style (leftmost placement, unchanged base first): chr6-26156889-GCCAAAAAAGCGAAAAGC-G. GRCh37 (hg19) VCF-style: chr6-26157117-GCCAAAAAAGCGAAAAGC-G.
Other names: short protein forms K168fs.
Identifiers: ClinVar variation 3338096 (VCV003338096.1).

ClinVar aggregate classification (germline): Likely pathogenic (0 of 4 stars; one submission).

Conditions:
Rahman syndrome. Also called: HIST1H1E Syndrome. Identifiers: Orphanet 642763, MedGen C4479637, MONDO:0044323, OMIM 617537.

Submission:

Solve-RD Consortium
Classification: Likely pathogenic for Rahman syndrome. Last evaluated: 2022-06-01. Review status: no assertion criteria provided. Collection method: provider interpretation. Allele origin: inherited. Affected: yes.
Comment: Variant confirmed as disease-causing by referring clinical team

Variant identified during reanalysis of unsolved cases by the Solve-RD project. The Solve-RD project has received funding from the European Union’s Horizon 2020 research and innovation programme under grant agreement No 779257.

Literature cited by the submitters: PubMed 39825153.